The following is an entry in ClinVar:

ClinVar aggregate classification (germline): Benign (1 of 4 stars; one submission).

Submission:

CeGaT Center for Human Genetics Tuebingen
Classification: Benign. Last evaluated: 2022-07-01. Review status: criteria provided, single submitter. Criteria: CeGaT Center For Human Genetics Tuebingen Variant Classification Criteria Version 2. Collection method: clinical testing. Allele origin: germline. Affected: yes. Observed: 1 variant allele.
Comment: DSPP: BS1, BS2

NM_014208.3(DSPP):c.2582GTA[1] (p.Ser862del)

Genes: DMP1-AS1 (DMP1 and DSPP antisense RNA 1; minus strand), DSPP (dentin sialophosphoprotein; plus strand). Cytogenetic location: 4q22.1.
Variant type: Microsatellite.
Coding change: c.2582GTA[1] on transcript NM_014208.3 (MANE Select); one copy of the 3-base unit GTA starting at c.2582; the reference has two copies in a row; one copy, 3 bases deleted.
Protein change: p.Ser862del; deletes serine 862.
Molecular consequence: inframe deletion.
Genome position (GRCh38, 1-based): chr4:87,615,247-87,615,249, GTA deleted; deleting any 3 consecutive bases within chr4:87,615,243-87,615,249 gives the same sequence; the position shown is the placement nearest the transcript's 3' end. VCF-style (leftmost placement, unchanged base first): chr4-87615242-CAGT-C. GRCh37 (hg19) VCF-style: chr4-88536394-CAGT-C.
Other names: short protein forms S862del.
Identifiers: ClinVar variation 2654896 (VCV002654896.24), dbSNP rs757110553, ClinGen allele CA3001274.
Genomic context (GRCh38, chr4:87,615,242, plus strand): 5'-TAGCAGCGACAGCAGCGATAGCAGTGACGGCAGTGATAGCGACAGCAGCAATAGAAGTGA[CAGT>C]AGTAATAGTAGTGACAGCAGCGATAGCAGTGACAGCAGCAACAGCAGTGACAGCAGTGAT-3'